The following is an entry in ClinVar:

NM_021813.4(BACH2):c.2315C>T (p.Pro772Leu)

Gene: BACH2 (BACH transcriptional regulator 2; minus strand). Cytogenetic location: 6q15.
Variant type: single nucleotide variant.
Coding change: c.2315C>T on transcript NM_021813.4 (MANE Select); coding-DNA position 2315, C replaced by T.
Protein change: p.Pro772Leu; replaces proline 772 with leucine.
Molecular consequence: missense variant.
Genome position (GRCh38, 1-based): chr6:89,932,619, G>A on the plus strand (C>T on the coding strand, the complement: BACH2 is on the minus strand). VCF-style: chr6-89932619-G-A. GRCh37 (hg19) VCF-style: chr6-90642338-G-A.
Other names: c.2315C>T, p.Pro772Leu (NM_001170794.2); c.2315C>T (NM_021813.2); short protein forms P772L.
Identifiers: ClinVar variation 1350310 (VCV001350310.8), dbSNP rs368416831, ClinGen allele CA3927816.

ClinVar aggregate classification (germline): Conflicting classifications of pathogenicity. Review status: criteria provided, conflicting classifications (1 of 4 stars). 3 submissions from 3 submitters: Uncertain significance (2); Likely benign (1). Last evaluated 2025-11-06.

Allele frequency attached by ClinVar (database versions not stated): gnomAD 0.00009 and 0.00011; ExAC 0.00011; gnomAD exomes 0.00011 and 0.00012; TOPMed 0.00011; ESP Exome Variant Server 0.00015.
gnomAD v4.1: 198 of 1,613,846 alleles (0.012%); highest among the groups gnomAD compares: Non-Finnish European, 0.015%; 1 homozygote.

Submissions (3):

Labcorp Genetics (formerly Invitae), Labcorp
Classification: Uncertain significance. Last evaluated: 2025-11-06. Review status: criteria provided, single submitter. Criteria: Invitae Variant Classification Sherloc (09022015). Collection method: clinical testing. Allele origin: germline.
Comment: This sequence change replaces proline, which is neutral and non-polar, with leucine, which is neutral and non-polar, at codon 772 of the BACH2 protein (p.Pro772Leu). This variant is present in population databases (rs368416831, gnomAD 0.02%). This variant has not been reported in the literature in individuals affected with BACH2-related conditions. ClinVar contains an entry for this variant (Variation ID: 1350310). Invitae Evidence Modeling of protein sequence and biophysical properties (such as structural, functional, and spatial information, amino acid conservation, physicochemical variation, residue mobility, and thermodynamic stability) indicates that this missense variant is not expected to disrupt BACH2 protein function with a negative predictive value of 80%. In summary, the available evidence is currently insufficient to determine the role of this variant in disease. Therefore, it has been classified as a Variant of Uncertain Significance.

Blueprint Genetics
Classification: Likely benign. Last evaluated: 2024-11-13. Review status: criteria provided, single submitter. Criteria: ACMG Guidelines, 2015. Collection method: clinical testing. Allele origin: germline.

Ambry Genetics
Classification: Uncertain significance. Last evaluated: 2022-04-12. Review status: criteria provided, single submitter. Criteria: Ambry Variant Classification Scheme 2023. Collection method: clinical testing. Allele origin: germline.